The following is an entry in ClinVar:

ClinVar aggregate classification (germline): Uncertain significance (1 of 4 stars; one submission).

Conditions:
Nephronophthisis. Also called: Juvenile Nephronophthisis. Identifiers: Orphanet 655, MedGen C0687120, MONDO:0019005, HP:0000090.

Allele frequency attached by ClinVar (database versions not stated): gnomAD exomes below 0.00001; gnomAD 0.00001; TOPMed 0.00003.
gnomAD v4.1: 4 of 1,613,794 alleles (0.00025%); highest among the groups gnomAD compares: Admixed American, 0.0067%; no homozygotes.

Submission:

Labcorp Genetics (formerly Invitae), Labcorp
Classification: Uncertain significance for Nephronophthisis. Last evaluated: 2022-07-23. Review status: criteria provided, single submitter. Criteria: Invitae Variant Classification Sherloc (09022015). Collection method: clinical testing. Allele origin: germline.
Comment: This variant has not been reported in the literature in individuals affected with NPHP3-related conditions. This variant is present in population databases (no rsID available, gnomAD 0.006%). This sequence change replaces leucine, which is neutral and non-polar, with arginine, which is basic and polar, at codon 1099 of the NPHP3 protein (p.Leu1099Arg). Algorithms developed to predict the effect of missense changes on protein structure and function (SIFT, PolyPhen-2, Align-GVGD) all suggest that this variant is likely to be disruptive. In summary, the available evidence is currently insufficient to determine the role of this variant in disease. Therefore, it has been classified as a Variant of Uncertain Significance.

NM_153240.5(NPHP3):c.3296T>G (p.Leu1099Arg)

Genes: NPHP3 (nephrocystin 3; minus strand), NPHP3-ACAD11 (NPHP3-ACAD11 readthrough (NMD candidate); minus strand). Cytogenetic location: 3q22.1.
Variant type: single nucleotide variant.
Coding change: c.3296T>G on transcript NM_153240.5 (MANE Select); coding-DNA position 3296, T replaced by G.
Protein change: p.Leu1099Arg; replaces leucine 1099 with arginine.
Molecular consequence: missense variant. On other transcripts: non-coding transcript variant (1).
Genome position (GRCh38, 1-based): chr3:132,686,293, A>C on the plus strand (T>G on the coding strand, the complement: NPHP3 is on the minus strand). VCF-style: chr3-132686293-A-C. GRCh37 (hg19) VCF-style: chr3-132405137-A-C.
Other names: short protein forms L1099R.
Identifiers: ClinVar variation 1964825 (VCV001964825.4), dbSNP rs1194923121, ClinGen allele CA354579322.